The following is an entry in ClinVar:

NM_004415.4(DSP):c.1241T>C (p.Leu414Pro)

Gene: DSP (desmoplakin; plus strand). Cytogenetic location: 6p24.3.
Variant type: single nucleotide variant.
Coding change: c.1241T>C on transcript NM_004415.4 (MANE Select); coding-DNA position 1241, T replaced by C.
Protein change: p.Leu414Pro; replaces leucine 414 with proline.
Molecular consequence: missense variant.
Genome position (GRCh38, 1-based): chr6:7,567,881, T>C. VCF-style: chr6-7567881-T-C. GRCh37 (hg19) VCF-style: chr6-7568114-T-C.
Other names: c.1241T>C, p.Leu414Pro (NM_001008844.3, NM_001319034.2, NM_001406591.1); short protein forms L414P.
Identifiers: ClinVar variation 3273893 (VCV003273893.1).

ClinVar aggregate classification (germline): Uncertain significance (1 of 4 stars; one submission).

Conditions:
Cardiovascular phenotype. Identifiers: MedGen CN230736.

Submission:

Ambry Genetics
Classification: Uncertain significance for Cardiovascular phenotype. Last evaluated: 2024-04-16. Review status: criteria provided, single submitter. Criteria: Ambry Variant Classification Scheme 2023. Collection method: clinical testing. Allele origin: germline.
Comment: The p.L414P variant (also known as c.1241T>C), located in coding exon 10 of the DSP gene, results from a T to C substitution at nucleotide position 1241. The leucine at codon 414 is replaced by proline, an amino acid with similar properties. This amino acid position is conserved. In addition, this alteration is predicted to be deleterious by in silico analysis. Based on the available evidence, the clinical significance of this variant remains unclear.